The following is an entry in ClinVar:

ClinVar aggregate classification (germline): Uncertain significance (1 of 4 stars; one submission).

Conditions:
Inborn genetic diseases. Identifiers: MedGen C0950123, MeSH D030342.

Submission:

Ambry Genetics
Classification: Uncertain significance for Inborn genetic diseases. Last evaluated: 2020-09-11. Review status: criteria provided, single submitter. Criteria: Ambry Variant Classification Scheme 2023. Collection method: clinical testing. Allele origin: germline.
Comment: The p.R1019P variant (also known as c.3056G>C), located in coding exon 4 of the NSD1 gene, results from a G to C substitution at nucleotide position 3056. The arginine at codon 1019 is replaced by proline, an amino acid with dissimilar properties. This amino acid position is highly conserved in available vertebrate species. In addition, this alteration is predicted to be deleterious by in silico analysis. Since supporting evidence is limited at this time, the clinical significance of this alteration remains unclear.

NM_022455.5(NSD1):c.3056G>C (p.Arg1019Pro)

Gene: NSD1 (nuclear receptor binding SET domain protein 1; plus strand). Cytogenetic location: 5q35.3.
Variant type: single nucleotide variant.
Coding change: c.3056G>C on transcript NM_022455.5 (MANE Select); coding-DNA position 3056, G replaced by C.
Protein change: p.Arg1019Pro; replaces arginine 1019 with proline.
Molecular consequence: missense variant.
Genome position (GRCh38, 1-based): chr5:177,211,455, G>C. VCF-style: chr5-177211455-G-C. GRCh37 (hg19) VCF-style: chr5-176638456-G-C.
Other names: c.2183G>C, p.Arg728Pro (NM_001365684.2, NM_001409306.1, NM_001409307.1 and 3 more transcripts); c.3056G>C, p.Arg1019Pro (NM_001409301.1, NM_001409302.1, NM_001409303.1); c.2636G>C, p.Arg879Pro (NM_001409304.1); c.2303G>C, p.Arg768Pro (NM_001409305.1); short protein forms R750P, R768P, R1019P, R728P, R879P.
Identifiers: ClinVar variation 1799304 (VCV001799304.2), dbSNP rs750354456, ClinGen allele CA362321779.